The following is an entry in ClinVar:

NM_025114.4(CEP290):c.829G>C (p.Glu277Gln)

Gene: CEP290 (centrosomal protein 290; minus strand). Cytogenetic location: 12q21.32.
Variant type: single nucleotide variant.
Coding change: c.829G>C on transcript NM_025114.4 (MANE Select); coding-DNA position 829, G replaced by C.
Protein change: p.Glu277Gln; replaces glutamic acid 277 with glutamine.
Molecular consequence: missense variant.
Genome position (GRCh38, 1-based): chr12:88,129,717, C>G on the plus strand (G>C on the coding strand, the complement: CEP290 is on the minus strand). VCF-style: chr12-88129717-C-G. GRCh37 (hg19) VCF-style: chr12-88523494-C-G.
Other names: NM_025114.4(CEP290):c.829G>C; short protein forms E277Q.
Identifiers: ClinVar variation 126269 (VCV000126269.66), dbSNP rs45502896, ClinGen allele CA150925.

ClinVar aggregate classification (germline): Benign. Review status: reviewed by expert panel (3 of 4 stars). 23 submissions from 19 submitters: Benign (1). 22 of the submissions do not count toward it. Last evaluated 2026-07-20.

Conditions:
CEP290-related ciliopathy. Also called: CEP290 ciliopathy. Identifiers: MedGen CN305601, MONDO:0100451.
Meckel-Gruber syndrome. Also called: DYSENCEPHALIA SPLANCHNOCYSTICA; GRUBER SYNDROME; Dysencephalia splachnocystica. Identifiers: Orphanet 564, MedGen C0265215, MONDO:0018921.
Joubert syndrome. Also called: Familial aplasia of the vermis; JOUBERT-BOLTSHAUSER SYNDROME. Identifiers: Orphanet 475, MedGen C5979921, MONDO:0018772.
Nephronophthisis. Also called: Juvenile Nephronophthisis. Identifiers: Orphanet 655, MedGen C0687120, MONDO:0019005, HP:0000090.
Retinal dystrophy. Also called: Inherited retinal dystrophy. Identifiers: Orphanet 71862, MedGen C0854723, MeSH D058499, MONDO:0019118, HP:0000556.
Leber congenital amaurosis (LCA). Also called: Leber's amaurosis. Identifiers: Orphanet 65, MedGen C0339527, MeSH D057130, MONDO:0018998.
Meckel syndrome, type 4 (MKS4). Also called: MECKEL-GRUBER SYNDROME, TYPE 4. Identifiers: Orphanet 564, MedGen C1970161, MONDO:0012626, OMIM 611134.
Senior-Loken syndrome 6 (SLSN6). Identifiers: Orphanet 3156, MedGen C1857779, MONDO:0012433, OMIM 610189.
Leber congenital amaurosis 10 (LCA10). Identifiers: Orphanet 65, MedGen C1857821, MONDO:0012723, OMIM 611755.
Bardet-Biedl syndrome 14 (BBS14). Identifiers: Orphanet 110, MedGen C2673874, MONDO:0014442, OMIM 615991.
Joubert syndrome 5 (JBTS5). Identifiers: Orphanet 2318, MedGen C1857780, MONDO:0012432, OMIM 610188.

Allele frequency attached by ClinVar (database versions not stated): gnomAD exomes 0.01358; ESP Exome Variant Server 0.01414; 1000 Genomes Project 30x 0.01421; TOPMed 0.01458; 1000 Genomes Project 0.01538; gnomAD 0.01594 and 0.01608.

Submissions (23):

ClinGen Leber Congenital Amaurosis/early Onset Retinal Dystrophy Variant Curation Expert Panel, ClinGen
Classification: Benign for CEP290-related ciliopathy. Last evaluated: 2026-07-20. Review status: reviewed by expert panel. Criteria: ClinGen LCAeoRD ACMG Specifications CEP290 V1.0.0. Collection method: curation. Allele origin: germline. Inheritance: Autosomal recessive inheritance.
Comment: NM_025114.4(CEP290):c.829G>C (p.Glu277Gln) is a missense variant that replaces glutamate with glutamine at amino acid 277. This variant is present in gnomAD v4.1.1 at a Grpmax allele frequency of 0.03711, with 25,628 alleles / 1,448,302 total alleles in the East Asian population, which is higher than the ClinGen LCA/eoRD VCEP BA1 threshold of >0.016 (BA1). This variant has been found in the homozygous state in 309 adult individuals in gnomAD which exceeds the LCA/eoRD VCEP threshold of ≥6 (gnomAD version 4.1.1; BS2). The computational predictor CADD gives a PHRED score of 26.2, which is above the ClinGen LCA/eoRD VCEP threshold of ≥25.3 and predicts a damaging effect on CEP290 protein function (PP3). The splicing impact predictor SpliceAI gives a delta score of 0.02 for donor gain, which is below the ClinGen LCA/eoRD VCEP recommended threshold of <0.1 and does not predict an impact on splicing. In summary, this variant meets the criteria to be classified as Benign for CEP290-related ciliopathy based on the ACMG/AMP criteria applied, as specified by the ClinGen LCA/eoRD VCEP: BA1, BS2, and PP3. (LCA/eoRD VCEP Specifications for CEP290 Version 1.0.0)

CeGaT Center for Human Genetics Tuebingen
Classification: Benign. Last evaluated: 2026-09-01. Review status: criteria provided, single submitter. Criteria: CeGaT Center For Human Genetics Tuebingen Variant Classification Criteria Version 2. Collection method: clinical testing. Allele origin: germline. Affected: yes. Observed: 78 variant alleles. Not counted in ClinVar's aggregate classification.
Comment: CEP290: BS1, BS2

Labcorp Genetics (formerly Invitae), Labcorp
Classification: Benign for Joubert syndrome; Meckel-Gruber syndrome; Nephronophthisis. Last evaluated: 2026-02-04. Review status: criteria provided, single submitter. Criteria: Invitae Variant Classification Sherloc (09022015). Collection method: clinical testing. Allele origin: germline. Not counted in ClinVar's aggregate classification.

Blueprint Genetics
Classification: Likely benign. Last evaluated: 2024-11-27. Review status: criteria provided, single submitter. Criteria: ACMG Guidelines, 2015. Collection method: clinical testing. Allele origin: germline. Not counted in ClinVar's aggregate classification.

Mayo Clinic Laboratories, Mayo Clinic
Classification: Benign. Last evaluated: 2024-02-12. Review status: criteria provided, single submitter. Criteria: ACMG Guidelines, 2015. Collection method: clinical testing. Allele origin: germline. Observed: 3 variant alleles. Not counted in ClinVar's aggregate classification.
Comment: BS1, BS2, BP4

Dept Of Ophthalmology, Nagoya University
Classification: Benign for Retinal dystrophy. Last evaluated: 2023-10-01. Review status: criteria provided, single submitter. Criteria: Submitter's publication. Collection method: research. Allele origin: germline. Affected: yes. Not counted in ClinVar's aggregate classification.

Women's Health and Genetics/Laboratory Corporation of America, LabCorp
Classification: Likely benign. Last evaluated: 2021-12-10. Review status: criteria provided, single submitter. Criteria: LabCorp Variant Classification Summary - May 2015. Collection method: clinical testing. Allele origin: germline. Not counted in ClinVar's aggregate classification.

Illumina Laboratory Services, Illumina
Classification: Likely benign for Leber congenital amaurosis 10. Last evaluated: 2017-04-27. Review status: criteria provided, single submitter. Criteria: ICSL Variant Classification Criteria 13 December 2019. Collection method: clinical testing. Allele origin: germline. Not counted in ClinVar's aggregate classification.
Comment: This variant was observed as part of a predisposition screen in an ostensibly healthy population. A literature search was performed for the gene, cDNA change, and amino acid change (where applicable). No publications were found based on this search. Allele frequency data from public databases allowed determination this variant is unlikely to cause disease. Therefore, this variant is classified as likely benign.

Illumina Laboratory Services, Illumina
Classification: Benign for Senior-Loken syndrome 6. Last evaluated: 2017-04-27. Review status: criteria provided, single submitter. Criteria: ICSL Variant Classification Criteria 13 December 2019. Collection method: clinical testing. Allele origin: germline. Not counted in ClinVar's aggregate classification.
Comment: This variant was observed as part of a predisposition screen in an ostensibly healthy population. A literature search was performed for the gene, cDNA change, and amino acid change (where applicable). No publications were found based on this search. Allele frequency data from public databases was too high to be consistent with this variant causing disease. Therefore, this variant is classified as benign.

Illumina Laboratory Services, Illumina
Classification: Likely benign for Meckel syndrome, type 4. Last evaluated: 2017-04-27. Review status: criteria provided, single submitter. Criteria: ICSL Variant Classification Criteria 13 December 2019. Collection method: clinical testing. Allele origin: germline. Not counted in ClinVar's aggregate classification.
Comment: the same text as in the submission from Illumina Laboratory Services, Illumina above.

Illumina Laboratory Services, Illumina
Classification: Benign for Bardet-Biedl syndrome 14. Last evaluated: 2017-04-27. Review status: criteria provided, single submitter. Criteria: ICSL Variant Classification Criteria 13 December 2019. Collection method: clinical testing. Allele origin: germline. Not counted in ClinVar's aggregate classification.
Comment: the same text as in the submission from Illumina Laboratory Services, Illumina above.

Illumina Laboratory Services, Illumina
Classification: Benign for Joubert syndrome 5. Last evaluated: 2017-04-27. Review status: criteria provided, single submitter. Criteria: ICSL Variant Classification Criteria 13 December 2019. Collection method: clinical testing. Allele origin: germline. Not counted in ClinVar's aggregate classification.
Comment: the same text as in the submission from Illumina Laboratory Services, Illumina above.

GeneDx
Classification: Benign. Last evaluated: 2015-03-03. Review status: criteria provided, single submitter. Criteria: GeneDx Variant Classification Process June 2021. Collection method: clinical testing. Allele origin: germline. Affected: yes. Not counted in ClinVar's aggregate classification.
Comment: This variant is associated with the following publications: (PMID: 27894351, 27884173, 21153841)

Eurofins Ntd Llc (ga)
Classification: Benign. Last evaluated: 2014-12-23. Review status: criteria provided, single submitter. Criteria: EGL Classification Definitions 2015. Collection method: clinical testing. Allele origin: germline. Observed: 1 variant allele, 1 heterozygote. Not counted in ClinVar's aggregate classification.

Breakthrough Genomics
Classification: Likely benign. Review status: criteria provided, single submitter. Criteria: ACMG Guidelines, 2015. Collection method: not provided. Allele origin: germline. Inheritance: Autosomal recessive inheritance. Affected: yes. Not counted in ClinVar's aggregate classification.

PreventionGenetics, part of Exact Sciences
Classification: Benign. Review status: criteria provided, single submitter. Criteria: ACMG Guidelines, 2015. Collection method: clinical testing. Allele origin: germline. Not counted in ClinVar's aggregate classification.

Natera, Inc.
Classification: Benign for Leber congenital amaurosis. Last evaluated: 2020-09-16. Review status: no assertion criteria provided. Collection method: clinical testing. Allele origin: germline. Not counted in ClinVar's aggregate classification.

Clinical Genetics DNA and cytogenetics Diagnostics Lab, Erasmus MC, Erasmus Medical Center
Classification: Likely benign. Review status: no assertion criteria provided. Collection method: clinical testing. Allele origin: germline. Affected: yes. Study: VKGL Data-share Consensus. Not counted in ClinVar's aggregate classification.

Department of Ophthalmology and Visual Sciences Kyoto University
Classification: Likely benign. Review status: no assertion criteria provided. Collection method: not provided. Allele origin: unknown. Not counted in ClinVar's aggregate classification.
ClinVar note: Converted during submission from probable-non-pathogenic to Likely benign.

Genetic Services Laboratory, University of Chicago
Classification: Likely benign for AllHighlyPenetrant. Review status: no assertion criteria provided. Collection method: clinical testing. Allele origin: germline. Inheritance: Autosomal recessive inheritance. Observed: 17 variant alleles. Not counted in ClinVar's aggregate classification.
Comment: Likely benign based on allele frequency in 1000 Genomes Project or ESP global frequency and its presence in a patient with a rare or unrelated disease phenotype. NOT Sanger confirmed.

Genome Diagnostics Laboratory, University Medical Center Utrecht
Classification: Likely benign. Review status: no assertion criteria provided. Collection method: clinical testing. Allele origin: germline. Affected: yes. Study: VKGL Data-share Consensus. Not counted in ClinVar's aggregate classification.

Joint Genome Diagnostic Labs from Nijmegen and Maastricht, Radboudumc and MUMC+
Classification: Benign. Review status: no assertion criteria provided. Collection method: clinical testing. Allele origin: germline. Affected: yes. Study: VKGL Data-share Consensus. Not counted in ClinVar's aggregate classification.

Laboratory of Diagnostic Genome Analysis, Leiden University Medical Center (LUMC)
Classification: Likely benign. Review status: no assertion criteria provided. Collection method: clinical testing. Allele origin: germline. Affected: yes. Study: VKGL Data-share Consensus. Not counted in ClinVar's aggregate classification.

Literature cited by the submitters: PubMed 21153841 (cited by Mayo Clinic Laboratories, Mayo Clinic); PubMed 31308072 (cited by Mayo Clinic Laboratories, Mayo Clinic).